The following is an entry in ClinVar:

ClinVar aggregate classification (germline): Pathogenic (1 of 4 stars; one submission).

Conditions:
Tuberous sclerosis 1 (TSC1). Identifiers: Orphanet 805, MedGen C1854465, MONDO:0008612, OMIM 191100.

Submission:

Labcorp Genetics (formerly Invitae), Labcorp
Classification: Pathogenic for Tuberous sclerosis 1. Last evaluated: 2022-05-11. Review status: criteria provided, single submitter. Criteria: Invitae Variant Classification Sherloc (09022015). Collection method: clinical testing. Allele origin: germline.
Comment: For these reasons, this variant has been classified as Pathogenic. ClinVar contains an entry for this variant (Variation ID: 834986). This premature translational stop signal has been observed in individual(s) with clinical features of tuberous sclerosis complex (PMID: 32555378). This variant is not present in population databases (gnomAD no frequency). This sequence change creates a premature translational stop signal (p.Cys559*) in the TSC1 gene. It is expected to result in an absent or disrupted protein product. Loss-of-function variants in TSC1 are known to be pathogenic (PMID: 10227394, 17304050).

Literature cited by the submitters: PubMed 32555378; PubMed 10227394; PubMed 17304050.

NM_000368.5(TSC1):c.1677C>A (p.Cys559Ter)

Gene: TSC1 (TSC complex subunit 1; minus strand). Cytogenetic location: 9q34.13.
Variant type: single nucleotide variant.
Coding change: c.1677C>A on transcript NM_000368.5 (MANE Select); coding-DNA position 1677, C replaced by A.
Protein change: p.Cys559Ter; replaces cysteine 559 with a stop codon.
Molecular consequence: nonsense.
Genome position (GRCh38, 1-based): chr9:132,905,901, G>T on the plus strand (C>A on the coding strand, the complement: TSC1 is on the minus strand). VCF-style: chr9-132905901-G-T. GRCh37 (hg19) VCF-style: chr9-135781288-G-T.
Other names: c.1674C>A, p.Cys558Ter (NM_001162426.2); c.1524C>A, p.Cys508Ter (NM_001162427.2); c.1314C>A, p.Cys438Ter (NM_001362177.2); short protein forms C559*, C508*, C438*, C558*.
Identifiers: ClinVar variation 834986 (VCV000834986.5), dbSNP rs368317116, ClinGen allele CA375364280.